The following is an entry in ClinVar:

ClinVar aggregate classification (germline): Likely benign. Review status: criteria provided, multiple submitters, no conflicts (2 of 4 stars). 2 submissions from 2 submitters: Likely benign (2). Last evaluated 2025-05-09.

Conditions:
Dilated cardiomyopathy 1G (CMD1G). Identifiers: Orphanet 154, MedGen C1858763, MONDO:0011400, OMIM 604145.
Autosomal recessive limb-girdle muscular dystrophy type 2J (LGMDR10). Also called: Limb-girdle muscular dystrophy, type 2J; MUSCULAR DYSTROPHY, LIMB-GIRDLE, AUTOSOMAL RECESSIVE 10. Identifiers: Orphanet 140922, MedGen C1837342, MONDO:0012127, OMIM 608807.

Allele frequency attached by ClinVar (database versions not stated): gnomAD exomes below 0.00001.
gnomAD v4.1: 1 of 1,614,118 alleles (0.000062%); highest among the groups gnomAD compares: Non-Finnish European, 0.000085%; no homozygotes.

Submissions (2):

Labcorp Genetics (formerly Invitae), Labcorp
Classification: Likely benign for Dilated cardiomyopathy 1G; Autosomal recessive limb-girdle muscular dystrophy type 2J. Last evaluated: 2025-05-09. Review status: criteria provided, single submitter. Criteria: Invitae Variant Classification Sherloc (09022015). Collection method: clinical testing. Allele origin: germline.

GeneDx
Classification: Likely benign. Last evaluated: 2017-01-26. Review status: criteria provided, single submitter. Criteria: GeneDx Variant Classification (06012015). Collection method: clinical testing. Allele origin: germline. Affected: yes.
Comment: This variant is considered likely benign or benign based on one or more of the following criteria: it is a conservative change, it occurs at a poorly conserved position in the protein, it is predicted to be benign by multiple in silico algorithms, and/or has population frequency not consistent with disease.

NM_001267550.2(TTN):c.9305+17T>C

Gene: TTN (titin; minus strand). Cytogenetic location: 2q31.2.
Variant type: single nucleotide variant.
Coding change: c.9305+17T>C on transcript NM_001267550.2 (MANE Select); 17 bases into the intron after coding-DNA position 9305, T replaced by C.
Molecular consequence: intron variant.
Genome position (GRCh38, 1-based): chr2:178,767,997, A>G on the plus strand (T>C on the coding strand, the complement: TTN is on the minus strand). VCF-style: chr2-178767997-A-G. GRCh37 (hg19) VCF-style: chr2-179632724-A-G.
Other names: c.9167+17T>C (NM_003319.4, NM_133437.4, NM_133432.3); c.9305+17T>C (NM_133378.4, NM_001256850.1, NM_133379.5).
Identifiers: ClinVar variation 507111 (VCV000507111.2), dbSNP rs1553990405, ClinGen allele CA658796063.